The following is an entry in ClinVar:

ClinVar aggregate classification (germline): Pathogenic (1 of 4 stars; one submission).

Conditions:
Peroxisome biogenesis disorder 2B (PBD2B). Identifiers: Orphanet 44, MedGen C3550234, MONDO:0008736, OMIM 202370.

Submission:

Labcorp Genetics (formerly Invitae), Labcorp
Classification: Pathogenic for Peroxisome biogenesis disorder 2B. Last evaluated: 2024-01-19. Review status: criteria provided, single submitter. Criteria: Invitae Variant Classification Sherloc (09022015). Collection method: clinical testing. Allele origin: germline.
Comment: This sequence change creates a premature translational stop signal (p.Ala422Glyfs*3) in the PEX5 gene. It is expected to result in an absent or disrupted protein product. Loss-of-function variants in PEX5 are known to be pathogenic (PMID: 18712838, 21031596). This variant is present in population databases (no rsID available, gnomAD 0.0009%). This variant has not been reported in the literature in individuals affected with PEX5-related conditions. ClinVar contains an entry for this variant (Variation ID: 1459320). For these reasons, this variant has been classified as Pathogenic.

Literature cited by the submitters: PubMed 18712838; PubMed 21031596.

NM_001351132.2(PEX5):c.1264dup (p.Ala422fs)

Gene: PEX5 (peroxisomal biogenesis factor 5; plus strand). Cytogenetic location: 12p13.31.
Variant type: Duplication.
Coding change: c.1264dup on transcript NM_001351132.2 (MANE Select); coding-DNA position 1264, one base duplicated (G; older notation c.1264dupG).
Protein change: p.Ala422fs; shifts the reading frame from alanine 422.
Molecular consequence: frameshift variant.
Genome position (GRCh38, 1-based): chr12:7,208,539, G duplicated; the last of 2 consecutive G bases (chr12:7,208,538-7,208,539); duplicating either gives the same sequence. VCF-style (leftmost placement, unchanged base first): chr12-7208537-A-AG. GRCh37 (hg19) VCF-style: chr12-7361133-A-AG.
Other names: c.1153dup, p.Ala385fs (NM_001351126.2, NM_001351127.2, NM_001351128.2 and 7 more transcripts); c.1264dup, p.Ala422fs (NM_001351131.2, NM_001351133.2, NM_001351134.2 and 4 more transcripts); c.1198dup, p.Ala400fs (NM_001351135.3, NM_001351138.2); c.1255dup, p.Ala419fs (NM_001351136.2); c.1240dup, p.Ala414fs (NM_000319.5); c.1309dup, p.Ala437fs (NM_001131023.2); c.1129dup, p.Ala377fs (NM_001351139.2, NM_001351140.2, NM_001374649.2); short protein forms A419fs, A377fs, A400fs, A437fs, A422fs, A385fs, A414fs.
Identifiers: ClinVar variation 1459320 (VCV001459320.6), dbSNP rs1374334296, ClinGen allele CA603488699.